The following is an entry in ClinVar:

NM_153638.4(PANK2):c.200A>C (p.Glu67Ala)

Genes: PANK2 (pantothenate kinase 2; plus strand), LOC130065345 (ATAC-STARR-seq lymphoblastoid silent region 12635; plus strand). Cytogenetic location: 20p13.
Variant type: single nucleotide variant.
Coding change: c.200A>C on transcript NM_153638.4; coding-DNA position 200, A replaced by C.
Protein change: p.Glu67Ala; replaces glutamic acid 67 with alanine.
Molecular consequence: missense variant. On other transcripts: intron variant (1).
Genome position (GRCh38, 1-based): chr20:3,889,300, A>C. VCF-style: chr20-3889300-A-C. GRCh37 (hg19) VCF-style: chr20-3869947-A-C.
Other names: c.200A>C, p.Glu67Ala (NM_001324192.1); c.-246+396A>C (NM_024960.6); short protein forms E67A.
Identifiers: ClinVar variation 1352796 (VCV001352796.7), dbSNP rs2146803693, ClinGen allele CA408139659.

ClinVar aggregate classification (germline): Uncertain significance (1 of 4 stars; one submission).

Conditions:
Pigmentary pallidal degeneration (NBIA1). Also called: Neurodegeneration with brain iron accumulation 1; PKAN NEUROAXONAL DYSTROPHY, JUVENILE-ONSET; HARP SYNDROME; Pantothenate Kinase-Associated Neurodegeneration; Neuroaxonal dystrophy, late infantile; Hallervorden-Spatz disease. Identifiers: Orphanet 157850, MedGen C0018523, MONDO:0009319, OMIM 234200.

Submission:

Labcorp Genetics (formerly Invitae), Labcorp
Classification: Uncertain significance for Pigmentary pallidal degeneration. Last evaluated: 2021-11-22. Review status: criteria provided, single submitter. Criteria: Invitae Variant Classification Sherloc (09022015). Collection method: clinical testing. Allele origin: germline.
Comment: Algorithms developed to predict the effect of missense changes on protein structure and function are either unavailable or do not agree on the potential impact of this missense change (SIFT: "Deleterious"; PolyPhen-2: "Benign"; Align-GVGD: "Class C0"). This variant has not been reported in the literature in individuals affected with PANK2-related conditions. This variant is not present in population databases (gnomAD no frequency). This sequence change replaces glutamic acid, which is acidic and polar, with alanine, which is neutral and non-polar, at codon 67 of the PANK2 protein (p.Glu67Ala). In summary, the available evidence is currently insufficient to determine the role of this variant in disease. Therefore, it has been classified as a Variant of Uncertain Significance.